The following is an entry in ClinVar:

NM_001184.4(ATR):c.5669C>T (p.Thr1890Ile)

Gene: ATR (ATR checkpoint kinase; minus strand). Cytogenetic location: 3q23.
Variant type: single nucleotide variant.
Coding change: c.5669C>T on transcript NM_001184.4 (MANE Select); coding-DNA position 5669, C replaced by T.
Protein change: p.Thr1890Ile; replaces threonine 1890 with isoleucine.
Molecular consequence: missense variant.
Genome position (GRCh38, 1-based): chr3:142,497,082, G>A on the plus strand (C>T on the coding strand, the complement: ATR is on the minus strand). VCF-style: chr3-142497082-G-A. GRCh37 (hg19) VCF-style: chr3-142215924-G-A.
Other names: c.5477C>T, p.Thr1826Ile (NM_001354579.2); short protein forms T1890I, T1826I.
Identifiers: ClinVar variation 1498220 (VCV001498220.8), dbSNP rs1248280730, ClinGen allele CA354814636.

ClinVar aggregate classification (germline): Uncertain significance (1 of 4 stars; one submission).

Allele frequency attached by ClinVar (database versions not stated): gnomAD exomes below 0.00001.
gnomAD v4.1: 5 of 1,613,912 alleles (0.00031%); highest among the groups gnomAD compares: Non-Finnish European, 0.00042%; no homozygotes.

Submission:

Labcorp Genetics (formerly Invitae), Labcorp
Classification: Uncertain significance. Last evaluated: 2021-02-20. Review status: criteria provided, single submitter. Criteria: Invitae Variant Classification Sherloc (09022015). Collection method: clinical testing. Allele origin: germline.
Comment: This sequence change replaces threonine with isoleucine at codon 1890 of the ATR protein (p.Thr1890Ile). The threonine residue is moderately conserved and there is a moderate physicochemical difference between threonine and isoleucine. This variant is not present in population databases (ExAC no frequency). This variant has not been reported in the literature in individuals with ATR-related conditions. In summary, the available evidence is currently insufficient to determine the role of this variant in disease. Therefore, it has been classified as a Variant of Uncertain Significance. Algorithms developed to predict the effect of missense changes on protein structure and function are either unavailable or do not agree on the potential impact of this missense change (SIFT: "Tolerated"; PolyPhen-2: "Probably Damaging"; Align-GVGD: "Class C0").